The following is an entry in ClinVar:

NM_020549.5(CHAT):c.1174G>A (p.Ala392Thr)

Gene: CHAT (choline O-acetyltransferase; plus strand). Cytogenetic location: 10q11.23.
Variant type: single nucleotide variant.
Coding change: c.1174G>A on transcript NM_020549.5 (MANE Select); coding-DNA position 1174, G replaced by A.
Protein change: p.Ala392Thr; replaces alanine 392 with threonine.
Molecular consequence: missense variant.
Genome position (GRCh38, 1-based): chr10:49,646,567, G>A. VCF-style: chr10-49646567-G-A. GRCh37 (hg19) VCF-style: chr10-50854613-G-A.
Other names: c.820G>A, p.Ala274Thr (NM_001142929.2, NM_001142934.2, NM_020984.4 and 2 more transcripts); c.928G>A, p.Ala310Thr (NM_001142933.2); short protein forms A274T, A392T, A310T.
Identifiers: ClinVar variation 573824 (VCV000573824.17), dbSNP rs115877658, ClinGen allele CA5497404.

ClinVar aggregate classification (germline): Conflicting classifications of pathogenicity. Review status: criteria provided, conflicting classifications (1 of 4 stars). 5 submissions from 5 submitters: Uncertain significance (3); Likely benign (2). Last evaluated 2026-09-30.

Conditions:
Inborn genetic diseases. Identifiers: MedGen C0950123, MeSH D030342.
Familial infantile myasthenia (CMS6). Also called: Congenital myasthenic syndrome type 6; MYASTHENIC SYNDROME, CONGENITAL, 6, PRESYNAPTIC; MYASTHENIC SYNDROME, PRESYNAPTIC, CONGENITAL, ASSOCIATED WITH EPISODIC APNEA. Identifiers: Orphanet 590, MedGen C0393929, MONDO:0009689, OMIM 254210.
CHAT-related disorder. Also called: CHAT-related condition.

Allele frequency attached by ClinVar (database versions not stated): gnomAD 0.00052 and 0.00056; ExAC 0.00020; TOPMed 0.00066; ESP Exome Variant Server 0.00085; gnomAD exomes 0.00007 and 0.00016; 1000 Genomes Project 30x 0.00031; 1000 Genomes Project 0.00040.

Submissions (5):

GeneDx
Classification: Uncertain significance. Last evaluated: 2026-09-30. Review status: criteria provided, single submitter. Criteria: GeneDx Variant Classification Process June 2021. Collection method: clinical testing. Allele origin: germline.
Comment: In silico analysis suggests that this missense variant does not alter protein structure/function; Has not been previously published as pathogenic or benign to our knowledge; This variant is associated with the following publications: (PMID: 26080897)

Labcorp Genetics (formerly Invitae), Labcorp
Classification: Likely benign for Familial infantile myasthenia. Last evaluated: 2026-01-11. Review status: criteria provided, single submitter. Criteria: Invitae Variant Classification Sherloc (09022015). Collection method: clinical testing. Allele origin: germline.

PreventionGenetics, part of Exact Sciences
Classification: Likely benign for CHAT-related condition. Last evaluated: 2025-06-13. Review status: criteria provided, single submitter. Criteria: ACMG Guidelines, 2015. Collection method: clinical testing. Allele origin: germline.
Comment: This variant is classified as likely benign based on ACMG/AMP sequence variant interpretation guidelines (Richards et al. 2015 PMID: 25741868, with internal and published modifications).

Revvity Omics, Revvity
Classification: Uncertain significance for Familial infantile myasthenia. Last evaluated: 2022-12-21. Review status: criteria provided, single submitter. Criteria: ACMG Guidelines, 2015. Collection method: clinical testing. Allele origin: germline.

Ambry Genetics
Classification: Uncertain significance for Inborn genetic diseases. Last evaluated: 2021-06-22. Review status: criteria provided, single submitter. Criteria: Ambry Variant Classification Scheme 2023. Collection method: clinical testing. Allele origin: germline.